The following is an entry in ClinVar:

ClinVar aggregate classification (germline): Uncertain significance. Review status: criteria provided, multiple submitters, no conflicts (2 of 4 stars). 2 submissions from 2 submitters: Uncertain significance (2). Last evaluated 2025-09-02.

Conditions:
Inborn genetic diseases. Identifiers: MedGen C0950123, MeSH D030342.

Allele frequency attached by ClinVar (database versions not stated): gnomAD exomes 0.00001 and 0.00003; ExAC 0.00006; gnomAD 0.00006; TOPMed 0.00007; ESP Exome Variant Server 0.00015; 1000 Genomes Project 30x 0.00016; 1000 Genomes Project 0.00020.
gnomAD v4.1: 19 of 1,614,174 alleles (0.0012%); highest among the groups gnomAD compares: African/African-American, 0.02%; no homozygotes.

Submissions (2):

Labcorp Genetics (formerly Invitae), Labcorp
Classification: Uncertain significance. Last evaluated: 2025-09-02. Review status: criteria provided, single submitter. Criteria: Invitae Variant Classification Sherloc (09022015). Collection method: clinical testing. Allele origin: germline.
Comment: This sequence change replaces phenylalanine, which is neutral and non-polar, with tyrosine, which is neutral and polar, at codon 231 of the SPART protein (p.Phe231Tyr). This variant is present in population databases (rs377161254, gnomAD 0.03%). This variant has not been reported in the literature in individuals affected with SPART-related conditions. ClinVar contains an entry for this variant (Variation ID: 1518545). Invitae Evidence Modeling of protein sequence and biophysical properties (such as structural, functional, and spatial information, amino acid conservation, physicochemical variation, residue mobility, and thermodynamic stability) indicates that this missense variant is not expected to disrupt SPART protein function with a negative predictive value of 80%. In summary, the available evidence is currently insufficient to determine the role of this variant in disease. Therefore, it has been classified as a Variant of Uncertain Significance.

Ambry Genetics
Classification: Uncertain significance for Inborn genetic diseases. Last evaluated: 2023-12-15. Review status: criteria provided, single submitter. Criteria: Ambry Variant Classification Scheme 2023. Collection method: clinical testing. Allele origin: germline.

NM_015087.5(SPART):c.692T>A (p.Phe231Tyr)

Gene: SPART (spartin; minus strand). Cytogenetic location: 13q13.3.
Variant type: single nucleotide variant.
Coding change: c.692T>A on transcript NM_015087.5 (MANE Select); coding-DNA position 692, T replaced by A.
Protein change: p.Phe231Tyr; replaces phenylalanine 231 with tyrosine.
Molecular consequence: missense variant.
Genome position (GRCh38, 1-based): chr13:36,335,139, A>T on the plus strand (T>A on the coding strand, the complement: SPART is on the minus strand). VCF-style: chr13-36335139-A-T. GRCh37 (hg19) VCF-style: chr13-36909276-A-T.
Other names: c.692T>A, p.Phe231Tyr (NM_001142294.2, NM_001142295.2, NM_001142296.2); c.692T>A (NM_015087.4); short protein forms F231Y.
Identifiers: ClinVar variation 1518545 (VCV001518545.9), dbSNP rs377161254, ClinGen allele CA6949598.